The following is an entry in ClinVar:

NM_024649.5(BBS1):c.1345C>T (p.His449Tyr)

Genes: BBS1 (Bardet-Biedl syndrome 1; plus strand), ZDHHC24 (zDHHC palmitoyltransferase 24; minus strand). Cytogenetic location: 11q13.2.
Variant type: single nucleotide variant.
Coding change: c.1345C>T on transcript NM_024649.5 (MANE Select); coding-DNA position 1345, C replaced by T.
Protein change: p.His449Tyr; replaces histidine 449 with tyrosine.
Molecular consequence: missense variant. On other transcripts: intron variant (1).
Genome position (GRCh38, 1-based): chr11:66,529,824, C>T. VCF-style: chr11-66529824-C-T. GRCh37 (hg19) VCF-style: chr11-66297295-C-T.
Other names: c.1345C>T (NM_024649.4); c.560-336G>A (NM_001348571.2); short protein forms H449Y.
Identifiers: ClinVar variation 3600125 (VCV003600125.3).

ClinVar aggregate classification (germline): Uncertain significance. Review status: criteria provided, multiple submitters, no conflicts (2 of 4 stars). 3 submissions from 3 submitters: Uncertain significance (3). Last evaluated 2025-10-21.

Conditions:
Bardet-Biedl syndrome 1 (BBS1). Identifiers: MedGen C2936862, MONDO:0008854, OMIM 209900. Disease mechanism: loss of function.
BBS1-related disorder. Also called: BBS1-related condition.
BBS1-related ciliopathy. Identifiers: MedGen CN378629, MONDO:1040043.

gnomAD v4.1: 6 of 1,611,132 alleles (0.00037%); highest among the groups gnomAD compares: African/African-American, 0.008%; no homozygotes.

Submissions (3):

PreventionGenetics, part of Exact Sciences
Classification: Uncertain significance for BBS1-related condition. Last evaluated: 2025-10-21. Review status: criteria provided, single submitter. Criteria: ACMG Guidelines, 2015. Collection method: clinical testing. Allele origin: germline.
Comment: The BBS1 c.1345C>T variant is predicted to result in the amino acid substitution p.His449Tyr. To our knowledge, this variant has not been reported in the literature or in a large population database (gnomAD), indicating this variant is rare. At this time, the clinical significance of this variant is uncertain due to the absence of conclusive functional and genetic evidence.

Fulgent Genetics
Classification: Uncertain significance for Bardet-Biedl syndrome 1. Last evaluated: 2024-03-20. Review status: criteria provided, single submitter. Criteria: ACMG Guidelines, 2015. Collection method: clinical testing. Allele origin: germline.

Department of Pathology and Laboratory Medicine, Sinai Health System
Classification: Uncertain significance for BBS1-related ciliopathy. Last evaluated: 2023-04-17. Review status: criteria provided, single submitter. Criteria: ACMG Guidelines, 2015. Collection method: research. Allele origin: germline.